The following is an entry in ClinVar:

NM_000051.4(ATM):c.902-8G>T

Gene: ATM (ATM serine/threonine kinase; plus strand). Cytogenetic location: 11q22.3.
Variant type: single nucleotide variant.
Coding change: c.902-8G>T on transcript NM_000051.4 (MANE Select); 8 bases into the intron before coding-DNA position 902, G replaced by T.
Molecular consequence: intron variant.
Genome position (GRCh38, 1-based): chr11:108,246,956, G>T. VCF-style: chr11-108246956-G-T. GRCh37 (hg19) VCF-style: chr11-108117683-G-T.
Other names: c.902-8G>T (NM_001351834.2).
Identifiers: ClinVar variation 2049760 (VCV002049760.5), dbSNP rs777483294, ClinGen allele CA6264708.

ClinVar aggregate classification (germline): Likely benign. Review status: criteria provided, multiple submitters, no conflicts (2 of 4 stars). 3 submissions from 3 submitters: Likely benign (3). Last evaluated 2025-03-20.

Conditions:
Hereditary cancer-predisposing syndrome. Also called: Neoplastic Syndromes, Hereditary; Hereditary Cancer Syndrome; Tumor predisposition; Hereditary neoplastic syndrome. Identifiers: Orphanet 140162, MedGen C0027672, MeSH D009386, MONDO:0015356.
Ataxia-telangiectasia syndrome (AT). Also called: ATAXIA-TELANGIECTASIA, COMPLEMENTATION GROUP A; ATAXIA-TELANGIECTASIA, FRESNO VARIANT; Ataxia-telangiectasia; Ataxia telangiectasia (A-T); Ataxia-telangiectasia, complementation group E; Cerebello-oculocutaneous telangiectasia. Identifiers: Orphanet 100, MedGen C0004135, MONDO:0008840, OMIM 208900.
Familial cancer of breast. Also called: Hereditary breast cancer; hereditary breast carcinoma; BREAST CANCER, FAMILIAL. Identifiers: Orphanet 227535, MedGen C0346153, MONDO:0016419, OMIM 114480. Disease mechanism: loss of function.

Allele frequency attached by ClinVar (database versions not stated): ExAC 0.00001; gnomAD exomes 0.00001; TOPMed 0.00001; gnomAD 0.00002.
gnomAD v4.1: 6 of 1,602,582 alleles (0.00037%); highest among the groups gnomAD compares: African/African-American, 0.008%; no homozygotes.

Submissions (3):

Labcorp Genetics (formerly Invitae), Labcorp
Classification: Likely benign for Ataxia-telangiectasia syndrome. Last evaluated: 2025-03-20. Review status: criteria provided, single submitter. Criteria: Invitae Variant Classification Sherloc (09022015). Collection method: clinical testing. Allele origin: germline.

Color Diagnostics, LLC DBA Color Health
Classification: Likely benign for Hereditary cancer-predisposing syndrome. Last evaluated: 2025-02-10. Review status: criteria provided, single submitter. Criteria: ACMG Guidelines, 2015. Collection method: clinical testing. Allele origin: germline.

Myriad Genetics, Inc.
Classification: Likely benign for Familial cancer of breast. Last evaluated: 2024-04-23. Review status: criteria provided, single submitter. Criteria: Myriad Autosomal Dominant, Autosomal Recessive and X-Linked Classification Criteria (2023). Collection method: clinical testing. Allele origin: unknown.
Comment: This variant is considered likely benign. This variant is intronic and is not expected to impact mRNA splicing.